The following is an entry in ClinVar:

NM_000435.3(NOTCH3):c.1655A>G (p.Asp552Gly)

Gene: NOTCH3 (notch receptor 3; minus strand). Cytogenetic location: 19p13.12.
Variant type: single nucleotide variant.
Coding change: c.1655A>G on transcript NM_000435.3 (MANE Select); coding-DNA position 1655, A replaced by G.
Protein change: p.Asp552Gly; replaces aspartic acid 552 with glycine.
Molecular consequence: missense variant.
Genome position (GRCh38, 1-based): chr19:15,187,290, T>C on the plus strand (A>G on the coding strand, the complement: NOTCH3 is on the minus strand). VCF-style: chr19-15187290-T-C. GRCh37 (hg19) VCF-style: chr19-15298101-T-C.
Other names: p.Asp552Gly; short protein forms D552G.
Identifiers: ClinVar variation 4542325 (VCV004542325.1).

ClinVar aggregate classification (germline): Uncertain significance (1 of 4 stars; one submission).

gnomAD v4.1: 1 of 1,613,900 alleles (0.000062%); highest among the groups gnomAD compares: African/African-American, 0.0013%; no homozygotes.

Submission:

Mayo Clinic Laboratories, Mayo Clinic
Classification: Uncertain significance. Last evaluated: 2025-07-29. Review status: criteria provided, single submitter. Criteria: ACMG Guidelines, 2015. Collection method: clinical testing. Allele origin: germline. Observed: 1 variant allele.
Comment: PP3, PM2_supporting